The following is an entry in ClinVar:

NM_000187.4(HGD):c.550-2A>G

Gene: HGD (homogentisate 1,2-dioxygenase; minus strand). Cytogenetic location: 3q13.33.
Variant type: single nucleotide variant.
Coding change: c.550-2A>G on transcript NM_000187.4 (MANE Select); the canonical splice acceptor site of the intron before coding-DNA position 550, A replaced by G.
Molecular consequence: splice acceptor variant.
Genome position (GRCh38, 1-based): chr3:120,646,368, T>C on the plus strand (A>G on the coding strand, the complement: HGD is on the minus strand). VCF-style: chr3-120646368-T-C. GRCh37 (hg19) VCF-style: chr3-120365215-T-C.
Identifiers: ClinVar variation 2584715 (VCV002584715.2), dbSNP rs2472698754, ClinGen allele CA354076857.

ClinVar aggregate classification (germline): Pathogenic (0 of 4 stars; one submission).

Conditions:
Alkaptonuria (AKU). Also called: Alkaptonuric ochronosis; Homogentisic acidura; HOMOGENTISIC ACID OXIDASE DEFICIENCY; Alcaptonuria. Identifiers: Orphanet 56, MedGen C0002066, MONDO:0008753, OMIM 203500.

Allele frequency attached by ClinVar (database versions not stated): gnomAD exomes below 0.00001.
gnomAD v4.1: 1 of 1,588,012 alleles (0.000063%); highest among the groups gnomAD compares: Non-Finnish European, 0.000086%; no homozygotes.

Submission:

Department Of Human Genetics, Institute Of Clinical And Translational Research, Biomedical Research Center, Slovak Academy Of Sciences
Classification: Pathogenic for Alkaptonuria. Review status: no assertion criteria provided. Collection method: research. Allele origin: germline. Inheritance: Autosomal recessive inheritance. Affected: yes. Observed: 1 variant allele.
Comment: The variant was originally described in PMID:30737480. It has been submitted to the HGD gene mutation database (DB-ID: AKU_00180).

Literature cited by the submitters: PubMed 30737480.